The following is an entry in ClinVar:

NM_000536.4(RAG2):c.1516C>T (p.Arg506Cys)

Gene: RAG2 (recombination activating 2; minus strand). Cytogenetic location: 11p12.
Variant type: single nucleotide variant.
Coding change: c.1516C>T on transcript NM_000536.4 (MANE Select); coding-DNA position 1516, C replaced by T.
Protein change: p.Arg506Cys; replaces arginine 506 with cysteine.
Molecular consequence: missense variant.
Genome position (GRCh38, 1-based): chr11:36,592,653, G>A on the plus strand (C>T on the coding strand, the complement: RAG2 is on the minus strand). VCF-style: chr11-36592653-G-A. GRCh37 (hg19) VCF-style: chr11-36614203-G-A.
Other names: c.1516C>T, p.Arg506Cys (NM_001243785.2, NM_001243786.2); short protein forms R506C.
Identifiers: ClinVar variation 663452 (VCV000663452.13), dbSNP rs140089249, ClinGen allele CA5950402.

ClinVar aggregate classification (germline): Uncertain significance. Review status: criteria provided, multiple submitters, no conflicts (2 of 4 stars). 5 submissions from 4 submitters: Uncertain significance (4). 1 of the submissions does not count toward it. Last evaluated 2024-10-11.

Conditions:
Severe combined immunodeficiency, autosomal recessive, T cell-negative, B cell-negative, NK cell-positive. Also called: SCID, AR, T-cell negative, B-cell negative, NK cell-positive; Severe combined immunodeficiency due to complete RAG1/2 deficiency; SCID, T CELL-NEGATIVE, B CELL-NEGATIVE, NK CELL-POSITIVE. Identifiers: Orphanet 331206, MedGen C1832322, MONDO:0011086, OMIM 601457.
Combined immunodeficiency with skin granulomas. Identifiers: Orphanet 157949, MedGen C2673536, MONDO:0009306, OMIM 233650.
Histiocytic medullary reticulosis. Also called: Omenn syndrome; SEVERE COMBINED IMMUNODEFICIENCY WITH HYPEREOSINOPHILIA. Identifiers: Orphanet 39041, MedGen C2700553, MONDO:0011338, OMIM 603554.

Allele frequency attached by ClinVar (database versions not stated): ExAC 0.00012; TOPMed 0.00013; gnomAD 0.00014 and 0.00015; gnomAD exomes 0.00014 and 0.00026; ESP Exome Variant Server 0.00069.
gnomAD v4.1: 400 of 1,613,966 alleles (0.025%); highest among the groups gnomAD compares: Non-Finnish European, 0.029%; no homozygotes.

Submissions (5):

Blueprint Genetics
Classification: Uncertain significance. Last evaluated: 2024-10-11. Review status: criteria provided, single submitter. Criteria: ACMG Guidelines, 2015. Collection method: clinical testing. Allele origin: germline.

Labcorp Genetics (formerly Invitae), Labcorp
Classification: Uncertain significance for Combined immunodeficiency with skin granulomas; Severe combined immunodeficiency, autosomal recessive, T cell-negative, B cell-negative, NK cell-positive. Last evaluated: 2022-07-21. Review status: criteria provided, single submitter. Criteria: Invitae Variant Classification Sherloc (09022015). Collection method: clinical testing. Allele origin: germline.
Comment: This sequence change replaces arginine, which is basic and polar, with cysteine, which is neutral and slightly polar, at codon 506 of the RAG2 protein (p.Arg506Cys). This variant is present in population databases (rs140089249, gnomAD 0.08%). This variant has not been reported in the literature in individuals affected with RAG2-related conditions. ClinVar contains an entry for this variant (Variation ID: 663452). Algorithms developed to predict the effect of missense changes on protein structure and function are either unavailable or do not agree on the potential impact of this missense change (SIFT: "Deleterious"; PolyPhen-2: "Benign"; Align-GVGD: "Class C35"). In summary, the available evidence is currently insufficient to determine the role of this variant in disease. Therefore, it has been classified as a Variant of Uncertain Significance.

Illumina Laboratory Services, Illumina
Classification: Uncertain significance for Severe combined immunodeficiency, autosomal recessive, T cell-negative, B cell-negative, NK cell-positive. Last evaluated: 2017-04-27. Review status: criteria provided, single submitter. Criteria: ICSL Variant Classification Criteria 13 December 2019. Collection method: clinical testing. Allele origin: germline.
Comment: This variant was observed as part of a predisposition screen in an ostensibly healthy population. A literature search was performed for the gene, cDNA change, and amino acid change (where applicable). Publications were found based on this search. However, the evidence from the literature, in combination with allele frequency data from public databases where available, was not sufficient to rule this variant in or out of causing disease. Therefore, this variant is classified as a variant of unknown significance.

Illumina Laboratory Services, Illumina
Classification: Uncertain significance for Histiocytic medullary reticulosis. Last evaluated: 2017-04-27. Review status: criteria provided, single submitter. Criteria: ICSL Variant Classification Criteria 13 December 2019. Collection method: clinical testing. Allele origin: germline.

Natera, Inc.
Classification: Uncertain significance for Omenn syndrome. Last evaluated: 2020-01-20. Review status: no assertion criteria provided. Collection method: clinical testing. Allele origin: germline. Not counted in ClinVar's aggregate classification.

Literature cited by the submitters: PubMed 21502542 (cited by Illumina Laboratory Services, Illumina); PubMed 24139496 (cited by Illumina Laboratory Services, Illumina).